The following is an entry in ClinVar:

NM_000492.4(CFTR):c.236G>A (p.Trp79Ter)

Gene: CFTR (CF transmembrane conductance regulator; plus strand). Cytogenetic location: 7q31.2.
Variant type: single nucleotide variant.
Coding change: c.236G>A on transcript NM_000492.4 (MANE Select); coding-DNA position 236, G replaced by A.
Protein change: p.Trp79Ter; replaces tryptophan 79 with a stop codon.
Molecular consequence: nonsense.
Genome position (GRCh38, 1-based): chr7:117,509,105, G>A. VCF-style: chr7-117509105-G-A. GRCh37 (hg19) VCF-style: chr7-117149159-G-A.
Other names: W79X; short protein forms W79*.
Identifiers: ClinVar variation 53482 (VCV000053482.8), dbSNP rs397508371, ClinGen allele CA326804.
Genomic context (GRCh38, chr7:117,509,105, plus strand): 5'-GAGAGCTGGCTTCAAAGAAAAATCCTAAACTCATTAATGCCCTTCGGCGATGTTTTTTCT[G>A]GAGATTTATGTTCTATGGAATCTTTTTATATTTAGGGGTAAGGATCTCATTTGTACATTC-3'

ClinVar aggregate classification (germline): Pathogenic. Review status: criteria provided, multiple submitters, no conflicts (2 of 4 stars). 6 submissions from 6 submitters: Pathogenic (5). 1 of the submissions does not count toward it. Last evaluated 2026-08-06.

Conditions:
Cystic fibrosis diagnostic test.
CFTR-related disorder (CFTR-RD). Also called: CFTR-related condition; CFTR-related disorders. Identifiers: MedGen C5924204, MONDO:7770004.
Cystic fibrosis (CF). Also called: MUCOVISCIDOSIS. Identifiers: Orphanet 586, MedGen C0010674, MONDO:0009061, OMIM 219700. Disease mechanism: loss of function.

Allele frequency attached by ClinVar (database versions not stated): gnomAD exomes below 0.00001.
gnomAD v4.1: 1 of 1,610,304 alleles (0.000062%); highest among the groups gnomAD compares: Non-Finnish European, 0.000085%; no homozygotes.

Submissions (6):

NHS Central & South Genomic Laboratory Hub
Classification: Pathogenic for Cystic fibrosis diagnostic test. Last evaluated: 2026-08-06. Review status: criteria provided, single submitter. Criteria: ACMG Guidelines, 2015. Collection method: clinical testing. Allele origin: germline. Affected: yes.

Natera, Inc.
Classification: Pathogenic for CFTR-related disorders. Last evaluated: 2025-05-05. Review status: criteria provided, single submitter. Criteria: Natera Variant Classification Schema (03/2026). Collection method: clinical testing. Allele origin: germline.
Comment: The c.236G>A variant in CFTR is a nonsense variant predicted to introduce a stop codon at amino acid 79. This variant is expected to result in nonsense mediated decay, truncation, or a dysfunctional protein product. This variant is rare in the general population with a frequency below the threshold expected for the associated phenotype(s). This variant has been observed in one or more individuals affected with the associated recessive disease, as either homozygous or compound heterozygous with a second variant (PMID: 17825628). Given the available evidence, this variant is classified as Pathogenic.

Labcorp Genetics (formerly Invitae), Labcorp
Classification: Pathogenic for Cystic fibrosis. Last evaluated: 2023-10-12. Review status: criteria provided, single submitter. Criteria: Invitae Variant Classification Sherloc (09022015). Collection method: clinical testing. Allele origin: germline.
Comment: This sequence change creates a premature translational stop signal (p.Trp79*) in the CFTR gene. It is expected to result in an absent or disrupted protein product. Loss-of-function variants in CFTR are known to be pathogenic (PMID: 1695717, 7691345, 9725922). This variant is not present in population databases (gnomAD no frequency). This premature translational stop signal has been observed in individual(s) with cystic fibrosis (PMID: 17825628). ClinVar contains an entry for this variant (Variation ID: 53482). For these reasons, this variant has been classified as Pathogenic.

Institute of Human Genetics, University of Leipzig Medical Center
Classification: Pathogenic for Cystic fibrosis. Last evaluated: 2022-09-05. Review status: criteria provided, single submitter. Criteria: ACMG Guidelines, 2015. Collection method: curation. Allele origin: unknown. Affected: yes. Observed: 1 variant allele.
Comment: The variant was classified in the context of a project re-classifying variants in the German Cystic Fibrosis Registry (Muko.e.V.). Criteria applied: PVS1, PM3, PM2_SUP

CFTR-France
Classification: Pathogenic for cystic fibrosis. Last evaluated: 2018-01-29. Review status: criteria provided, single submitter. Criteria: Claustres M et al. (Hum Mutat 2017). Collection method: curation. Allele origin: germline. Affected: yes.

ClinVar Staff, National Center for Biotechnology Information (NCBI)
No classification provided. Condition: CFTR-related disorders. Review status: no classification provided. Collection method: literature only. Allele origin: germline. Affected: yes. Not counted in ClinVar's aggregate classification.

Literature cited by the submitters: PubMed 17825628 (cited by Natera, Inc. and Labcorp Genetics (formerly Invitae), Labcorp); PubMed 1695717 (cited by Labcorp Genetics (formerly Invitae), Labcorp); PubMed 7691345 (cited by Labcorp Genetics (formerly Invitae), Labcorp); PubMed 9725922 (cited by Labcorp Genetics (formerly Invitae), Labcorp); PubMed 11379874 (cited by ClinVar Staff, National Center for Biotechnology Information (NCBI)).